The following is an entry in ClinVar:

NM_000038.6(APC):c.2108C>T (p.Ala703Val)

Gene: APC (APC regulator of Wnt signaling pathway; plus strand). Cytogenetic location: 5q22.2.
Variant type: single nucleotide variant.
Coding change: c.2108C>T on transcript NM_000038.6 (MANE Select); coding-DNA position 2108, C replaced by T.
Protein change: p.Ala703Val; replaces alanine 703 with valine.
Molecular consequence: missense variant. On other transcripts: non-coding transcript variant (2).
Genome position (GRCh38, 1-based): chr5:112,837,702, C>T. VCF-style: chr5-112837702-C-T. GRCh37 (hg19) VCF-style: chr5-112173399-C-T.
Other names: c.2108C>T, p.Ala703Val (NM_001127510.3, NM_001354895.2, NM_001407450.1); c.2054C>T, p.Ala685Val (NM_001127511.3); c.2162C>T, p.Ala721Val (NM_001354896.2, NM_001407447.1, NM_001407448.1 and 1 more transcripts); c.2138C>T, p.Ala713Val (NM_001354897.2); c.2033C>T, p.Ala678Val (NM_001354898.2); c.1730C>T, p.Ala577Val (NM_001354904.2); c.1835C>T, p.Ala612Val (NM_001354902.2); c.1805C>T, p.Ala602Val (NM_001354903.2, NM_001407458.1, NM_001407459.1 and 1 more transcripts); and 11 more; short protein forms A319V, A420V, A678V, A703V, A713V, A543V, A574V, A612V.
Identifiers: ClinVar variation 3630462 (VCV003630462.2).
Genomic context (GRCh38, chr5:112,837,702, plus strand): 5'-CTTTGTGGAATCTCTCAGCAAGAAATCCTAAAGACCAGGAAGCATTATGGGACATGGGGG[C>T]AGTTAGCATGCTCAAGAACCTCATTCATTCAAAGCACAAAATGATTGCTATGGGAAGTGC-3'
Protein context (NP_000029.2, residues 693-713): KDQEALWDMG[Ala703Val]VSMLKNLIHS

ClinVar aggregate classification (germline): Uncertain significance (1 of 4 stars; one submission).

Conditions:
Familial adenomatous polyposis 1 (FAP1). Also called: FAMILIAL ADENOMATOUS POLYPOSIS 1, ATTENUATED; POLYPOSIS, ADENOMATOUS INTESTINAL. Identifiers: MedGen C2713442, MONDO:0021056, OMIM 175100. Disease mechanism: loss of function.

Submission:

Labcorp Genetics (formerly Invitae), Labcorp
Classification: Uncertain significance for Familial adenomatous polyposis 1. Last evaluated: 2024-05-19. Review status: criteria provided, single submitter. Criteria: Invitae Variant Classification Sherloc (09022015). Collection method: clinical testing. Allele origin: germline.
Comment: This sequence change replaces alanine, which is neutral and non-polar, with valine, which is neutral and non-polar, at codon 703 of the APC protein (p.Ala703Val). This variant is not present in population databases (gnomAD no frequency). This variant has not been reported in the literature in individuals affected with APC-related conditions. Advanced modeling of protein sequence and biophysical properties (such as structural, functional, and spatial information, amino acid conservation, physicochemical variation, residue mobility, and thermodynamic stability) performed at Invitae indicates that this missense variant is not expected to disrupt APC protein function with a negative predictive value of 95%. In summary, the available evidence is currently insufficient to determine the role of this variant in disease. Therefore, it has been classified as a Variant of Uncertain Significance.